The following is an entry in ClinVar:

ClinVar aggregate classification (germline): Benign/Likely benign. Review status: criteria provided, multiple submitters, no conflicts (2 of 4 stars). 3 submissions from 3 submitters: Benign (1); Likely benign (2). Last evaluated 2026-01-25.

Conditions:
Congenital myopathy with internal nuclei and atypical cores. Also called: Myopathy, centronuclear, 4. Identifiers: Orphanet 319160, MedGen C4707232, MONDO:0013890, OMIM 614807.

Allele frequency attached by ClinVar (database versions not stated): 1000 Genomes Project 0.00040; gnomAD exomes 0.00048 and 0.00094; ExAC 0.00054; gnomAD 0.00057; TOPMed 0.00059; 1000 Genomes Project 30x 0.00062; ESP Exome Variant Server 0.00069.

Submissions (5):

Labcorp Genetics (formerly Invitae), Labcorp
Classification: Likely benign for Congenital myopathy with internal nuclei and atypical cores. Last evaluated: 2026-01-25. Review status: criteria provided, single submitter. Criteria: Invitae Variant Classification Sherloc (09022015). Collection method: clinical testing. Allele origin: germline.

CeGaT Center for Human Genetics Tuebingen
Classification: Likely benign. Last evaluated: 2023-11-01. Review status: criteria provided, single submitter. Criteria: CeGaT Center For Human Genetics Tuebingen Variant Classification Criteria Version 2. Collection method: clinical testing. Allele origin: germline. Affected: yes. Observed: 2 variant alleles.
Comment: CCDC78: BP4

GeneDx
Classification: Benign. Last evaluated: 2020-09-10. Review status: criteria provided, single submitter. Criteria: GeneDx Variant Classification Process June 2021. Collection method: clinical testing. Allele origin: germline. Affected: yes.

Dr. Peter K. Rogan Lab, Western University
No classification provided (evidence only). Condition: Lung cancer. Review status: no classification provided. Collection method: in vitro. Allele origin: not applicable. Functional consequence: retained intron. Not counted in ClinVar's aggregate classification.

Dr. Peter K. Rogan Lab, Western University
No classification provided (evidence only). Condition: Ovarian serous cystadenocarcinoma. Review status: no classification provided. Collection method: in vitro. Allele origin: not applicable. Functional consequence: retained intron. Not counted in ClinVar's aggregate classification.

NM_001378030.1(CCDC78):c.1302-8C>A

Gene: CCDC78 (coiled-coil domain containing 78; minus strand). Cytogenetic location: 16p13.3.
Variant type: single nucleotide variant.
Coding change: c.1302-8C>A on transcript NM_001378030.1 (MANE Select); 8 bases into the intron before coding-DNA position 1302, C replaced by A.
Molecular consequence: intron variant.
Genome position (GRCh38, 1-based): chr16:722,797, G>T on the plus strand (C>A on the coding strand, the complement: CCDC78 is on the minus strand). VCF-style: chr16-722797-G-T. GRCh37 (hg19) VCF-style: chr16-772797-G-T.
Other names: c.735-8C>A (NM_001378033.1); c.1122-8C>A (NM_001378031.1); c.1298-8C>A (NM_001031737.3).
Identifiers: ClinVar variation 473253 (VCV000473253.39), dbSNP rs201006875, ClinGen allele CA7789061.
Genomic context (GRCh38, chr16:722,797, plus strand): 5'-AGGGGTCCCCTGCACCTGCCAGCTTCCTCAGCCTCAGGATTTCGTGCTTGTACCTGCTCA[G>T]AGGAACCATGCTTAAGTGACTTGCCCAGCTGTGGACAGGTCTGCTTTTAGCGCCTGAGGC-3'